The following is an entry in ClinVar:

ClinVar aggregate classification (germline): Pathogenic/Likely pathogenic. Review status: criteria provided, multiple submitters, no conflicts (2 of 4 stars). 2 submissions from 2 submitters: Pathogenic (1); Likely pathogenic (1). Last evaluated 2024-11-05.

Conditions:
Cardiovascular phenotype. Identifiers: MedGen CN230736.
Hereditary cancer-predisposing syndrome. Also called: Hereditary Cancer Syndrome; Hereditary neoplastic syndrome; Tumor predisposition; Neoplastic Syndromes, Hereditary. Identifiers: Orphanet 140162, MedGen C0027672, MeSH D009386, MONDO:0015356.
Neurofibromatosis, type 1 (NF1). Also called: VON RECKLINGHAUSEN DISEASE; NEUROFIBROMATOSIS, TYPE I, SOMATIC; Peripheral type neurofibromatosis; Neurofibromatosis, type I. Identifiers: Orphanet 636, MedGen C0027831, MONDO:0018975, OMIM 162200. Disease mechanism: loss of function.

Submissions (2):

Ambry Genetics
Classification: Likely pathogenic for Cardiovascular phenotype; Hereditary cancer-predisposing syndrome. Last evaluated: 2024-11-05. Review status: criteria provided, single submitter. Criteria: Ambry Variant Classification Scheme 2023. Collection method: clinical testing. Allele origin: germline.
Comment: The c.288+5G>T intronic variant results from a G to T substitution 5 nucleotides after coding exon 3 in the NF1 gene. This nucleotide position is highly conserved in available vertebrate species. This variant has been observed in at least one individual with a personal and/or family history that is consistent with neurofibromatosis type 1 (NF1) (Ambry internal data; personal communication). Another alteration impacting the same donor site (c.288+5G>C) has been detected in individuals with a clinical diagnosis of NF1 and minigene analysis has demonstrated this alteration results in coding exon 3 skipping (Baralle M et al. J Med Genet. 2003 Mar;40:220-2; Kang E et al. J Hum Genet. 2020 Jan;65:79-89). In silico splice site analysis predicts that this alteration will weaken the native splice donor site. This variant is considered to be rare based on population cohorts in the Genome Aggregation Database (gnomAD). Based on the majority of available evidence to date, this variant is likely to be pathogenic.

Labcorp Genetics (formerly Invitae), Labcorp
Classification: Pathogenic for Neurofibromatosis, type 1. Last evaluated: 2024-04-20. Review status: criteria provided, single submitter. Criteria: Invitae Variant Classification Sherloc (09022015). Collection method: clinical testing. Allele origin: germline.
Comment: This sequence change falls in intron 3 of the NF1 gene. It does not directly change the encoded amino acid sequence of the NF1 protein. It affects a nucleotide within the consensus splice site. This variant is not present in population databases (gnomAD no frequency). This variant has been observed in individual(s) with clinical features of neurofibromatosis (Invitae). In at least one individual the variant was observed to be de novo. ClinVar contains an entry for this variant (Variation ID: 457605). Variants that disrupt the consensus splice site are a relatively common cause of aberrant splicing (PMID: 17576681, 9536098). Algorithms developed to predict the effect of sequence changes on RNA splicing suggest that this variant may disrupt the consensus splice site. This variant disrupts the c.288+5G nucleotide in the NF1 gene. Other variant(s) that disrupt this nucleotide have been determined to be pathogenic (PMID: 12624144, 22617876). This suggests that this nucleotide is clinically significant, and that variants that disrupt this position are likely to be disease-causing. For these reasons, this variant has been classified as Pathogenic.

Literature cited by the submitters: PubMed 12624144 (cited by Ambry Genetics and Labcorp Genetics (formerly Invitae), Labcorp); PubMed 31776437 (cited by Ambry Genetics); PubMed 17576681 (cited by Labcorp Genetics (formerly Invitae), Labcorp); PubMed 9536098 (cited by Labcorp Genetics (formerly Invitae), Labcorp); PubMed 22617876 (cited by Labcorp Genetics (formerly Invitae), Labcorp).

NM_001042492.3(NF1):c.288+5G>T

Gene: NF1 (neurofibromin 1; plus strand). Cytogenetic location: 17q11.2.
Variant type: single nucleotide variant.
Coding change: c.288+5G>T on transcript NM_001042492.3 (MANE Select); 5 bases into the intron after coding-DNA position 288, G replaced by T.
Molecular consequence: intron variant.
Genome position (GRCh38, 1-based): chr17:31,159,098, G>T. VCF-style: chr17-31159098-G-T. GRCh37 (hg19) VCF-style: chr17-29486116-G-T.
Other names: c.288+5G>T (NM_000267.4, NM_001128147.3).
Identifiers: ClinVar variation 457605 (VCV000457605.6), dbSNP rs1555605409, ClinGen allele CA658658578.